The following is an entry in ClinVar:

ClinVar aggregate classification (germline): Uncertain significance (1 of 4 stars; one submission).

Conditions:
Progressive sclerosing poliodystrophy (MTDPS4A). Also called: Mitochondrial DNA depletion syndrome 4A (Alpers type); ALPERS PROGRESSIVE INFANTILE POLIODYSTROPHY; NEURONAL DEGENERATION OF CHILDHOOD WITH LIVER DISEASE, PROGRESSIVE; Mitochondrial DNA Depletion Syndrome 4A; Alpers-Huttenlocher Syndrome (AHS); Alpers Syndrome. Identifiers: Orphanet 726, MedGen C0205710, MONDO:0008758, OMIM 203700.

Allele frequency attached by ClinVar (database versions not stated): gnomAD exomes below 0.00001; TOPMed below 0.00001.
gnomAD v4.1: 2 of 1,613,598 alleles (0.00012%); highest among the groups gnomAD compares: African/African-American, 0.0027%; no homozygotes.

Submission:

Labcorp Genetics (formerly Invitae), Labcorp
Classification: Uncertain significance for Progressive sclerosing poliodystrophy. Last evaluated: 2025-01-23. Review status: criteria provided, single submitter. Criteria: Invitae Variant Classification Sherloc (09022015). Collection method: clinical testing. Allele origin: germline.
Comment: This sequence change replaces valine, which is neutral and non-polar, with isoleucine, which is neutral and non-polar, at codon 322 of the POLG protein (p.Val322Ile). The frequency data for this variant in the population databases is considered unreliable, as metrics indicate poor data quality at this position in the gnomAD database. This variant has not been reported in the literature in individuals affected with POLG-related conditions. ClinVar contains an entry for this variant (Variation ID: 1460862). Invitae Evidence Modeling of protein sequence and biophysical properties (such as structural, functional, and spatial information, amino acid conservation, physicochemical variation, residue mobility, and thermodynamic stability) indicates that this missense variant is not expected to disrupt POLG protein function with a negative predictive value of 95%. In summary, the available evidence is currently insufficient to determine the role of this variant in disease. Therefore, it has been classified as a Variant of Uncertain Significance.

NM_002693.3(POLG):c.964G>A (p.Val322Ile)

Gene: POLG (DNA polymerase gamma, catalytic subunit; minus strand). Cytogenetic location: 15q26.1.
Variant type: single nucleotide variant.
Coding change: c.964G>A on transcript NM_002693.3 (MANE Select); coding-DNA position 964, G replaced by A.
Protein change: p.Val322Ile; replaces valine 322 with isoleucine.
Molecular consequence: missense variant.
Genome position (GRCh38, 1-based): chr15:89,329,002, C>T on the plus strand (G>A on the coding strand, the complement: POLG is on the minus strand). VCF-style: chr15-89329002-C-T. GRCh37 (hg19) VCF-style: chr15-89872233-C-T.
Other names: c.964G>A, p.Val322Ile (NM_001126131.2); short protein forms V322I.
Identifiers: ClinVar variation 1460862 (VCV001460862.8), dbSNP rs1204119738, ClinGen allele CA393765592.